The following is an entry in ClinVar:

ClinVar aggregate classification (germline): Likely benign (1 of 4 stars; one submission).

gnomAD v4.1: 291 of 353,907 alleles (0.082%); highest among the groups gnomAD compares: Middle Eastern, 0.25%; 2 homozygotes.

Submission:

CeGaT Center for Human Genetics Tuebingen
Classification: Likely benign. Last evaluated: 2022-12-01. Review status: criteria provided, single submitter. Criteria: CeGaT Center For Human Genetics Tuebingen Variant Classification Criteria Version 2. Collection method: clinical testing. Allele origin: germline. Affected: yes. Observed: 1 variant allele.
Comment: TEX13D: BS2

NM_001355534.2(TEX13D):c.976G>A (p.Gly326Arg)

Gene: TEX13D (TEX13 family member D; plus strand). Cytogenetic location: Xq25.
Variant type: single nucleotide variant.
Coding change: c.976G>A on transcript NM_001355534.2 (MANE Select); coding-DNA position 976, G replaced by A.
Protein change: p.Gly326Arg; replaces glycine 326 with arginine.
Molecular consequence: missense variant.
Genome position (GRCh38, 1-based): chrX:124,333,893, G>A. VCF-style: chrX-124333893-G-A. GRCh37 (hg19) VCF-style: chrX-123467743-G-A.
Other names: short protein forms G326R.
Identifiers: ClinVar variation 2661356 (VCV002661356.24), dbSNP rs775432134, ClinGen allele CA335065514.